The following is an entry in ClinVar:

ClinVar aggregate classification (germline): Likely pathogenic (1 of 4 stars; one submission).

Conditions:
Waardenburg syndrome type 3 (WS3). Also called: Klein-Waardenberg's syndrome; KLEIN-WAARDENBURG SYNDROME; WAARDENBURG SYNDROME WITH UPPER LIMB ANOMALIES. Identifiers: Orphanet 3440, Orphanet 896, MedGen C0079661, MONDO:0007862, OMIM 148820.
Waardenburg syndrome type 1 (WS1). Also called: Waardenburg Syndrome Type I; WAARDENBURG SYNDROME WITH DYSTOPIA CANTHORUM. Identifiers: Orphanet 894, MedGen C1847800, MONDO:0008670, OMIM 193500.

Submission:

Hadassah Hebrew University Medical Center
Classification: Likely pathogenic for Waardenburg syndrome type 1; Waardenburg syndrome type 3. Last evaluated: 2025-10-01. Review status: criteria provided, single submitter. Criteria: ACMG Guidelines, 2015. Collection method: clinical testing. Allele origin: germline. Affected: yes.
Comment: This deep intronic variant is located in intron 4 of the PAX3 gene. RNA studies demonstrated that this variant leads to the inclusion of a 171 bp pseudo-exon, which contains a premature termination codon, thus causing loss of function. Loss-of-function variants in this gene are known to be pathogenic.

NM_181458.4(PAX3):c.587-10416A>G

Gene: PAX3 (paired box 3; minus strand). Cytogenetic location: 2q36.1.
Variant type: single nucleotide variant.
Coding change: c.587-10416A>G on transcript NM_181458.4 (MANE Select); 10416 bases into the intron before coding-DNA position 587, A replaced by G.
Molecular consequence: intron variant.
Genome position (GRCh38, 1-based): chr2:222,242,699, T>C on the plus strand (A>G on the coding strand, the complement: PAX3 is on the minus strand). VCF-style: chr2-222242699-T-C. GRCh37 (hg19) VCF-style: chr2-223107418-T-C.
Other names: c.584-10416A>G (NM_001127366.3); c.587-10416A>G (NM_181460.4, NM_181461.4, NM_181459.4 and 1 more transcripts).
Identifiers: ClinVar variation 4526662 (VCV004526662.1).